The following is an entry in ClinVar:

NM_002474.3(MYH11):c.1401+3A>G

Gene: MYH11 (myosin heavy chain 11; minus strand). Cytogenetic location: 16p13.11.
Variant type: single nucleotide variant.
Coding change: c.1401+3A>G on transcript NM_002474.3 (MANE Select); 3 bases into the intron after coding-DNA position 1401, A replaced by G.
Molecular consequence: intron variant.
Genome position (GRCh38, 1-based): chr16:15,759,573, T>C on the plus strand (A>G on the coding strand, the complement: MYH11 is on the minus strand). VCF-style: chr16-15759573-T-C. GRCh37 (hg19) VCF-style: chr16-15853430-T-C.
Other names: c.1401+3A>G (NM_022844.3); c.1422+3A>G (NM_001040114.2, NM_001040113.2).
Identifiers: ClinVar variation 387384 (VCV000387384.2), dbSNP rs1057522776, ClinGen allele CA16606895.

ClinVar aggregate classification (germline): Conflicting classifications of pathogenicity. Review status: criteria provided, conflicting classifications (1 of 4 stars). 2 submissions from 2 submitters: Uncertain significance (1); Likely benign (1). Last evaluated 2024-03-24.

Conditions:
Familial thoracic aortic aneurysm and aortic dissection (TAAD). Also called: Thoracic aortic aneurysms and dissections. Identifiers: Orphanet 91387, MedGen C4707243, MONDO:0019625.

Allele frequency attached by ClinVar (database versions not stated): gnomAD exomes below 0.00001; TOPMed below 0.00001; gnomAD 0.00001.
gnomAD v4.1: 3 of 1,614,046 alleles (0.00019%); highest among the groups gnomAD compares: Non-Finnish European, 0.00025%; no homozygotes.

Submissions (2):

All of Us Research Program, National Institutes of Health
Classification: Uncertain significance for Familial thoracic aortic aneurysm and aortic dissection. Last evaluated: 2024-03-24. Review status: criteria provided, single submitter. Criteria: ACMG Guidelines, 2015. Collection method: clinical testing. Allele origin: germline. Inheritance: Autosomal dominant inheritance. Observed: 1 variant allele, 1 heterozygote.
Comment: This variant causes an A to G nucleotide substitution at the +3 position of intron 13 of the MYH11 gene. Splice site prediction tools suggest that this variant may have a significant impact on RNA splicing. To our knowledge, RNA studies have not been reported for this variant. This variant has not been reported in individuals affected with MYH11-related disorders in the literature. This variant has not been identified in the general population by the Genome Aggregation Database (gnomAD). The available evidence is insufficient to determine the role of this variant in disease conclusively. Therefore, this variant is classified as a Variant of Uncertain Significance.

This study involves interpretation of variants in research participants for the purpose of population health screening. Participant phenotype was not available at the time of variant classification. Additional details can be found in publication PMID: 35346344, PMCID: PMC8962531

GeneDx
Classification: Likely benign. Last evaluated: 2016-06-27. Review status: criteria provided, single submitter. Criteria: GeneDx Variant Classification (06012015). Collection method: clinical testing. Allele origin: germline. Affected: yes.
Comment: This variant is considered likely benign or benign based on one or more of the following criteria: it is a conservative change, it occurs at a poorly conserved position in the protein, it is predicted to be benign by multiple in silico algorithms, and/or has population frequency not consistent with disease.